The following is an entry in ClinVar:

NM_021167.5(GATAD1):c.368T>G (p.Leu123Trp)

Gene: GATAD1 (GATA zinc finger domain containing 1; plus strand). Cytogenetic location: 7q21.2.
Variant type: single nucleotide variant.
Coding change: c.368T>G on transcript NM_021167.5 (MANE Select); coding-DNA position 368, T replaced by G.
Protein change: p.Leu123Trp; replaces leucine 123 with tryptophan.
Molecular consequence: missense variant. On other transcripts: non-coding transcript variant (1).
Genome position (GRCh38, 1-based): chr7:92,448,870, T>G. VCF-style: chr7-92448870-T-G. GRCh37 (hg19) VCF-style: chr7-92078184-T-G.
Other names: short protein forms L123W.
Identifiers: ClinVar variation 2563692 (VCV002563692.2), dbSNP rs1789293545, ClinGen allele CA368157367.
Genomic context (GRCh38, chr7:92,448,870, plus strand): 5'-CTCCGGCTGCTGAAAAGAAAGTCTCCACCAAAGGAAAAGGGAGAAGACATATATTTAAAT[T>G]GAAAAATGTAAGATATTTGTGGACAGTGCCTTTTACTGTAATGACGTTGTGTGTATCCTG-3'
Protein context (NP_066990.3, residues 113-133): KGKGRRHIFK[Leu123Trp]KNPIKAPESV

ClinVar aggregate classification (germline): Uncertain significance (1 of 4 stars; one submission).

Conditions:
Cardiovascular phenotype. Identifiers: MedGen CN230736.

Allele frequency attached by ClinVar (database versions not stated): gnomAD exomes below 0.00001.
gnomAD v4.1: 2 of 1,611,824 alleles (0.00012%); highest among the groups gnomAD compares: Non-Finnish European, 0.00017%; no homozygotes.

Submission:

Ambry Genetics
Classification: Uncertain significance for Cardiovascular phenotype. Last evaluated: 2023-04-01. Review status: criteria provided, single submitter. Criteria: Ambry Variant Classification Scheme 2023. Collection method: clinical testing. Allele origin: germline.
Comment: The p.L123W variant (also known as c.368T>G), located in coding exon 2 of the GATAD1 gene, results from a T to G substitution at nucleotide position 368. The leucine at codon 123 is replaced by tryptophan, an amino acid with similar properties. This amino acid position is conserved. In addition, this alteration is predicted to be deleterious by in silico analysis. Since supporting evidence is limited at this time, the clinical significance of this alteration remains unclear.